The following is an entry in ClinVar:

NM_032119.4(ADGRV1):c.5337T>C (p.Phe1779=)

Gene: ADGRV1 (adhesion G protein-coupled receptor V1; plus strand). Cytogenetic location: 5q14.3.
Variant type: single nucleotide variant.
Coding change: c.5337T>C on transcript NM_032119.4 (MANE Select); coding-DNA position 5337, T replaced by C.
Protein change: p.Phe1779=; no amino-acid change (phenylalanine 1779 retained).
Molecular consequence: synonymous variant. On other transcripts: non-coding transcript variant (1).
Genome position (GRCh38, 1-based): chr5:90,676,103, T>C. VCF-style: chr5-90676103-T-C. GRCh37 (hg19) VCF-style: chr5-89971920-T-C.
Identifiers: ClinVar variation 227408 (VCV000227408.4), dbSNP rs755537414, ClinGen allele CA3339548.

ClinVar aggregate classification (germline): Likely benign (1 of 4 stars; one submission).

Allele frequency attached by ClinVar (database versions not stated): gnomAD exomes below 0.00001; ExAC 0.00001.
gnomAD v4.1: 3 of 1,602,792 alleles (0.00019%); highest among the groups gnomAD compares: South Asian, 0.0033%; no homozygotes.

Submission:

Laboratory for Molecular Medicine, Mass General Brigham Personalized Medicine
Classification: Likely benign. Last evaluated: 2015-07-01. Review status: criteria provided, single submitter. Criteria: LMM Criteria. Collection method: clinical testing. Allele origin: germline. Observed: 1 variant allele.
Comment: p.Phe1779Phe in exon 25 of GPR98: This variant is not expected to have clinical significance because it does not alter an amino acid residue and is not located within the splice consensus sequence. It has been identified in 1/12292 South As ian chromosomes by the Exome Aggregation Consortium (ExAC).